The following is an entry in ClinVar:

NM_000059.4(BRCA2):c.3009C>A (p.His1003Gln)

Gene: BRCA2 (BRCA2 DNA repair associated; plus strand). Cytogenetic location: 13q13.1.
Variant type: single nucleotide variant.
Coding change: c.3009C>A on transcript NM_000059.4 (MANE Select); coding-DNA position 3009, C replaced by A.
Protein change: p.His1003Gln; replaces histidine 1003 with glutamine.
Molecular consequence: missense variant.
Genome position (GRCh38, 1-based): chr13:32,337,364, C>A. VCF-style: chr13-32337364-C-A. GRCh37 (hg19) VCF-style: chr13-32911501-C-A.
Other names: short protein forms H1003Q.
Identifiers: ClinVar variation 926898 (VCV000926898.11), dbSNP rs2072470391, ClinGen allele CA387774730.

ClinVar aggregate classification (germline): Conflicting classifications of pathogenicity. Review status: criteria provided, conflicting classifications (1 of 4 stars). 3 submissions from 3 submitters: Uncertain significance (2); Likely benign (1). Last evaluated 2024-01-19.

Conditions:
Hereditary cancer-predisposing syndrome. Also called: Neoplastic Syndromes, Hereditary; Tumor predisposition; Hereditary Cancer Syndrome; Hereditary neoplastic syndrome. Identifiers: Orphanet 140162, MedGen C0027672, MeSH D009386, MONDO:0015356.
Hereditary breast ovarian cancer syndrome. Also called: Hereditary breast and ovarian cancer syndrome; BRCA1- and BRCA2-Associated Hereditary Breast and Ovarian Cancer; Hereditary breast and ovarian cancer; Hereditary breast and ovarian cancer syndrome (HBOC); Breast and ovarian cancer; Hereditary breast and/or ovarian cancer syndrome. Identifiers: Orphanet 145, MedGen C0677776, MeSH D061325, MONDO:0003582. Disease mechanism: loss of function.

Submissions (3):

Labcorp Genetics (formerly Invitae), Labcorp
Classification: Uncertain significance for Hereditary breast ovarian cancer syndrome. Last evaluated: 2024-01-19. Review status: criteria provided, single submitter. Criteria: Invitae Variant Classification Sherloc (09022015). Collection method: clinical testing. Allele origin: germline.
Comment: This sequence change replaces histidine, which is basic and polar, with glutamine, which is neutral and polar, at codon 1003 of the BRCA2 protein (p.His1003Gln). This variant is not present in population databases (gnomAD no frequency). This variant has not been reported in the literature in individuals affected with BRCA2-related conditions. ClinVar contains an entry for this variant (Variation ID: 926898). Advanced modeling of protein sequence and biophysical properties (such as structural, functional, and spatial information, amino acid conservation, physicochemical variation, residue mobility, and thermodynamic stability) performed at Invitae indicates that this missense variant is not expected to disrupt BRCA2 protein function with a negative predictive value of 95%. In summary, the available evidence is currently insufficient to determine the role of this variant in disease. Therefore, it has been classified as a Variant of Uncertain Significance.

Color Diagnostics, LLC DBA Color Health
Classification: Uncertain significance for Hereditary cancer-predisposing syndrome. Last evaluated: 2023-12-05. Review status: criteria provided, single submitter. Criteria: ACMG Guidelines, 2015. Collection method: clinical testing. Allele origin: germline.
Comment: This missense variant replaces histidine with glutamine at codon 1003 of the BRCA2 protein. Computational prediction suggests that this variant may not impact protein structure and function (internally defined REVEL score threshold <= 0.5, PMID: 27666373). To our knowledge, functional studies have not been reported for this variant. This variant has not been reported in individuals affected with BRCA2-related disorders in the literature. This variant has not been identified in the general population by the Genome Aggregation Database (gnomAD). The available evidence is insufficient to determine the role of this variant in disease conclusively. Therefore, this variant is classified as a Variant of Uncertain Significance.

University of Washington Department of Laboratory Medicine, University of Washington
Classification: Likely benign for Hereditary cancer-predisposing syndrome. Last evaluated: 2023-03-23. Review status: criteria provided, single submitter. Criteria: Dines et al. (Genet Med. 2020). Collection method: curation. Allele origin: germline.
Comment: Missense variant in a coldspot region where missense variants are very unlikely to be pathogenic (PMID:31911673).

BRCA2 exon 11 coldspot. Reclassification based on statistical prior probability.